The following is an entry in ClinVar:

ClinVar aggregate classification (germline): Uncertain significance (1 of 4 stars; one submission).

gnomAD v4.1: 1 of 1,198,079 alleles (0.000083%); highest among the groups gnomAD compares: Non-Finnish European, 0.00011%; no homozygotes.

Submission:

GeneDx
Classification: Uncertain significance. Last evaluated: 2023-05-16. Review status: criteria provided, single submitter. Criteria: GeneDx Variant Classification Process June 2021. Collection method: clinical testing. Allele origin: germline. Affected: yes.
Comment: Not observed at significant frequency in large population cohorts (gnomAD); In silico analysis supports that this missense variant does not alter protein structure/function; Has not been previously published as pathogenic or benign to our knowledge

NM_004208.4(AIFM1):c.262A>C (p.Met88Leu)

Genes: AIFM1 (apoptosis inducing factor mitochondria associated 1; minus strand), RAB33A (RAB33A, member RAS oncogene family; plus strand). Cytogenetic location: Xq26.1.
Variant type: single nucleotide variant.
Coding change: c.262A>C on transcript NM_004208.4 (MANE Select); coding-DNA position 262, A replaced by C.
Protein change: p.Met88Leu; replaces methionine 88 with leucine.
Molecular consequence: missense variant. On other transcripts: non-coding transcript variant (1).
Genome position (GRCh38, 1-based): chrX:130,149,556, T>G on the plus strand (A>C on the coding strand, the complement: AIFM1 is on the minus strand). VCF-style: chrX-130149556-T-G. GRCh37 (hg19) VCF-style: chrX-129283531-T-G.
Other names: c.262A>C, p.Met88Leu (NM_001130847.4); c.250A>C, p.Met84Leu (NM_145812.3); short protein forms M84L, M88L.
Identifiers: ClinVar variation 3343346 (VCV003343346.1).